The following is an entry in ClinVar:

ClinVar aggregate classification (germline): Uncertain significance (1 of 4 stars; one submission).

Conditions:
Multiple endocrine neoplasia type 4. Also called: MULTIPLE ENDOCRINE NEOPLASIA, TYPE IV. Identifiers: Orphanet 276152, MedGen C1970712, MONDO:0012552, OMIM 610755.

Submission:

Labcorp Genetics (formerly Invitae), Labcorp
Classification: Uncertain significance for Multiple endocrine neoplasia type 4. Last evaluated: 2024-05-23. Review status: criteria provided, single submitter. Criteria: Invitae Variant Classification Sherloc (09022015). Collection method: clinical testing. Allele origin: germline.
Comment: This sequence change replaces lysine, which is basic and polar, with glutamic acid, which is acidic and polar, at codon 165 of the CDKN1B protein (p.Lys165Glu). This variant is not present in population databases (gnomAD no frequency). This variant has not been reported in the literature in individuals affected with CDKN1B-related conditions. ClinVar contains an entry for this variant (Variation ID: 1716682). An algorithm developed to predict the effect of missense changes on protein structure and function (PolyPhen-2) suggests that this variant is likely to be disruptive. In summary, the available evidence is currently insufficient to determine the role of this variant in disease. Therefore, it has been classified as a Variant of Uncertain Significance.

NM_004064.5(CDKN1B):c.493A>G (p.Lys165Glu)

Gene: CDKN1B (cyclin dependent kinase inhibitor 1B; plus strand). Cytogenetic location: 12p13.1.
Variant type: single nucleotide variant.
Coding change: c.493A>G on transcript NM_004064.5 (MANE Select); coding-DNA position 493, A replaced by G.
Protein change: p.Lys165Glu; replaces lysine 165 with glutamic acid.
Molecular consequence: missense variant.
Genome position (GRCh38, 1-based): chr12:12,718,842, A>G. VCF-style: chr12-12718842-A-G. GRCh37 (hg19) VCF-style: chr12-12871776-A-G.
Other names: short protein forms K165E.
Identifiers: ClinVar variation 1716682 (VCV001716682.5), dbSNP rs2497407449, ClinGen allele CA383972638.